The following is an entry in ClinVar:

ClinVar aggregate classification (germline): Uncertain significance (1 of 4 stars; one submission).

Conditions:
Neurofibromatosis, type 1 (NF1). Also called: VON RECKLINGHAUSEN DISEASE; Peripheral type neurofibromatosis; NEUROFIBROMATOSIS, TYPE I, SOMATIC; Neurofibromatosis, type I. Identifiers: Orphanet 636, MedGen C0027831, MONDO:0018975, OMIM 162200. Disease mechanism: loss of function.

Submission:

Labcorp Genetics (formerly Invitae), Labcorp
Classification: Uncertain significance for Neurofibromatosis, type 1. Last evaluated: 2024-04-16. Review status: criteria provided, single submitter. Criteria: Invitae Variant Classification Sherloc (09022015). Collection method: clinical testing. Allele origin: germline.
Comment: This sequence change replaces histidine, which is basic and polar, with aspartic acid, which is acidic and polar, at codon 2402 of the NF1 protein (p.His2402Asp). This variant is not present in population databases (gnomAD no frequency). This variant has not been reported in the literature in individuals affected with NF1-related conditions. Advanced modeling of protein sequence and biophysical properties (such as structural, functional, and spatial information, amino acid conservation, physicochemical variation, residue mobility, and thermodynamic stability) has been performed at Invitae for this missense variant, however the output from this modeling did not meet the statistical confidence thresholds required to predict the impact of this variant on NF1 protein function. In summary, the available evidence is currently insufficient to determine the role of this variant in disease. Therefore, it has been classified as a Variant of Uncertain Significance.

NM_001042492.3(NF1):c.7267C>G (p.His2423Asp)

Gene: NF1 (neurofibromin 1; plus strand). Cytogenetic location: 17q11.2.
Variant type: single nucleotide variant.
Coding change: c.7267C>G on transcript NM_001042492.3 (MANE Select); coding-DNA position 7267, C replaced by G.
Protein change: p.His2423Asp; replaces histidine 2423 with aspartic acid.
Molecular consequence: missense variant.
Genome position (GRCh38, 1-based): chr17:31,349,197, C>G. VCF-style: chr17-31349197-C-G. GRCh37 (hg19) VCF-style: chr17-29676215-C-G.
Other names: c.7204C>G, p.His2402Asp (NM_000267.4); short protein forms H2423D, H2402D.
Identifiers: ClinVar variation 3634597 (VCV003634597.2).
Genomic context (GRCh38, chr17:31,349,197, plus strand): 5'-CCTGCTATTGTTGCAAGAACAGTCAGAATTTTACATACACTACTAACTCTGGTTAACAAA[C>G]ACAGAAATTGTGACAAATTTGAAGTGAATACACAGAGCGTGGCCTACTTAGCAGGTAAAA-3'
Protein context (NP_001035957.1, residues 2413-2433): LHTLLTLVNK[His2423Asp]RNCDKFEVNT